The following is an entry in ClinVar:

ClinVar aggregate classification (germline): Uncertain significance (1 of 4 stars; one submission).

Allele frequency attached by ClinVar (database versions not stated): gnomAD exomes below 0.00001; ExAC 0.00001; ESP Exome Variant Server 0.00008.

Submission:

Labcorp Genetics (formerly Invitae), Labcorp
Classification: Uncertain significance. Last evaluated: 2021-01-19. Review status: criteria provided, single submitter. Criteria: Invitae Variant Classification Sherloc (09022015). Collection method: clinical testing. Allele origin: germline.
Comment: In summary, the available evidence is currently insufficient to determine the role of this variant in disease. Therefore, it has been classified as a Variant of Uncertain Significance. Experimental studies and prediction algorithms are not available or were not evaluated, and the functional significance of this variant is currently unknown. This variant has not been reported in the literature in individuals with COL18A1-related conditions. This variant is present in population databases (rs369389768, ExAC 0.01%). This sequence change replaces leucine with phenylalanine at codon 31 of the COL18A1 protein (p.Leu31Phe). The COL18A1 gene has multiple clinically relevant transcripts. This variant occurs in alternate transcript NM_030582.3, and corresponds to NM_130445.3:c.107-12621C>T in the primary transcript.

NM_001379500.1(COL18A1):c.107-12621C>T

Gene: COL18A1 (collagen type XVIII alpha 1 chain; plus strand). Cytogenetic location: 21q22.3.
Variant type: single nucleotide variant.
Coding change: c.107-12621C>T on transcript NM_001379500.1 (MANE Select); 12621 bases into the intron before coding-DNA position 107, C replaced by T.
Molecular consequence: intron variant. On other transcripts: missense variant (2).
Genome position (GRCh38, 1-based): chr21:45,455,621, C>T. VCF-style: chr21-45455621-C-T. GRCh37 (hg19) VCF-style: chr21-46875535-C-T.
Other names: c.91C>T, p.Leu31Phe (NM_030582.4, NM_130444.3); short protein forms L31F.
Identifiers: ClinVar variation 1366027 (VCV001366027.6), dbSNP rs369389768, ClinGen allele CA10065384.